The following is an entry in ClinVar:

NM_000138.5(FBN1):c.6541del (p.Cys2181fs)

Gene: FBN1 (fibrillin 1; minus strand). Cytogenetic location: 15q21.1.
Variant type: Deletion.
Coding change: c.6541del on transcript NM_000138.5 (MANE Select); coding-DNA position 6541, one base deleted (T; older notation c.6541delT).
Protein change: p.Cys2181fs; shifts the reading frame from cysteine 2181.
Molecular consequence: frameshift variant.
Genome position (GRCh38, 1-based): chr15:48,434,669, A deleted on the plus strand (T on the coding strand, the reverse complement: FBN1 is on the minus strand). VCF-style (leftmost placement, unchanged base first): chr15-48434668-CA-C. GRCh37 (hg19) VCF-style: chr15-48726865-CA-C.
Other names: c.6541delT (NM_000138.4); short protein forms C2181fs.
Identifiers: ClinVar variation 406323 (VCV000406323.7), dbSNP rs1060501059, ClinGen allele CA16614795.

ClinVar aggregate classification (germline): Pathogenic. Review status: criteria provided, single submitter (1 of 4 stars). 2 submissions from 1 submitter: Pathogenic (2). Last evaluated 2016-12-20.

Conditions:
Marfan syndrome (MFS). Also called: Marfan syndrome, classic; Marfan syndrome type 1; Marfan's syndrome; MARFAN SYNDROME, TYPE I; FBN1-Related Marfan Syndrome. Identifiers: Orphanet 284963, Orphanet 558, MedGen C0024796, MONDO:0007947, OMIM 154700.
Familial thoracic aortic aneurysm and aortic dissection (TAAD). Also called: Thoracic aortic aneurysms and dissections. Identifiers: Orphanet 91387, MedGen C4707243, MONDO:0019625.

Submissions (2):

Labcorp Genetics (formerly Invitae), Labcorp
Classification: Pathogenic for Marfan syndrome. Last evaluated: 2016-12-20. Review status: criteria provided, single submitter. Criteria: Invitae Variant Classification Sherloc (09022015). Collection method: clinical testing. Allele origin: germline.
Comment: This sequence change deletes 1 nucleotide from exon 54 of the FBN1 mRNA (c.6541delT), causing a frameshift at codon 2181. This creates a premature translational stop signal (p.Cys2181Alafs*4) and is expected to result in an absent or disrupted protein product. While this particular variant has not been reported in the literature, loss-of-function variants in FBN1 are known to be pathogenic (PMID: 17657824, 19293843). For these reasons, this variant has been classified as Pathogenic.

Labcorp Genetics (formerly Invitae), Labcorp
Classification: Pathogenic for Marfan syndrome; Familial thoracic aortic aneurysm and aortic dissection. Last evaluated: 2016-12-20. Review status: criteria provided, single submitter. Criteria: Invitae Variant Classification Sherloc (09022015). Collection method: clinical testing. Allele origin: germline.
Comment: This sequence change deletes 1 nucleotide from exon 54 of the FBN1 mRNA (c.6541delT), causing a frameshift at codon 2181. This creates a premature translational stop signal (p.Cys2181Alafs*4) and is expected to result in an absent or disrupted protein product. For these reasons, this variant has been classified as Pathogenic. While this particular variant has not been reported in the literature, loss-of-function variants in FBN1 are known to be pathogenic (PMID: 17657824, 19293843).

Literature cited by the submitters: PubMed 17657824; PubMed 19293843.